The following is an entry in ClinVar:

ClinVar aggregate classification (germline): Uncertain significance (1 of 4 stars; one submission).

Conditions:
Hereditary cancer-predisposing syndrome. Also called: Neoplastic Syndromes, Hereditary; Tumor predisposition; Hereditary Cancer Syndrome; Hereditary neoplastic syndrome. Identifiers: Orphanet 140162, MedGen C0027672, MeSH D009386, MONDO:0015356.

Submission:

Color Diagnostics, LLC DBA Color Health
Classification: Uncertain significance for Hereditary cancer-predisposing syndrome. Last evaluated: 2024-03-06. Review status: criteria provided, single submitter. Criteria: ACMG Guidelines, 2015. Collection method: clinical testing. Allele origin: germline.
Comment: This missense variant replaces asparagine with lysine at codon 1535 of the APC protein. Computational prediction suggests that this variant may not impact protein structure and function (internally defined REVEL score threshold <= 0.5, PMID: 27666373). To our knowledge, functional studies have not been reported for this variant. This variant has not been reported in individuals affected with hereditary cancer in the literature. This variant has not been identified in the general population by the Genome Aggregation Database (gnomAD). The available evidence is insufficient to determine the role of this variant in disease conclusively. Therefore, this variant is classified as a Variant of Uncertain Significance.

NM_000038.6(APC):c.4605T>A (p.Asn1535Lys)

Gene: APC (APC regulator of Wnt signaling pathway; plus strand). Cytogenetic location: 5q22.2.
Variant type: single nucleotide variant.
Coding change: c.4605T>A on transcript NM_000038.6 (MANE Select); coding-DNA position 4605, T replaced by A.
Protein change: p.Asn1535Lys; replaces asparagine 1535 with lysine.
Molecular consequence: missense variant. On other transcripts: non-coding transcript variant (2).
Genome position (GRCh38, 1-based): chr5:112,840,199, T>A. VCF-style: chr5-112840199-T-A. GRCh37 (hg19) VCF-style: chr5-112175896-T-A.
Other names: c.4605T>A, p.Asn1535Lys (NM_001127510.3, NM_001354895.2, NM_001407450.1); c.4551T>A, p.Asn1517Lys (NM_001127511.3); c.4659T>A, p.Asn1553Lys (NM_001354896.2, NM_001407447.1, NM_001407448.1 and 1 more transcripts); c.4635T>A, p.Asn1545Lys (NM_001354897.2); c.4530T>A, p.Asn1510Lys (NM_001354898.2); c.4521T>A, p.Asn1507Lys (NM_001354899.2); c.4482T>A, p.Asn1494Lys (NM_001354900.2); c.4428T>A, p.Asn1476Lys (NM_001354901.2, NM_001407453.1); and 11 more; short protein forms N1151K, N1375K, N1409K, N1510K, N1528K, N1535K, N1545K, N1406K.
Identifiers: ClinVar variation 2775053 (VCV002775053.2), dbSNP rs2533585797, ClinGen allele CA16031418.
Genomic context (GRCh38, chr5:112,840,199, plus strand): 5'-TATACAGAAAGATGTGGAATTAAGAATAATGCCTCCAGTTCAGGAAAATGACAATGGGAA[T>A]GAAACAGAATCAGAGCAGCCTAAAGAATCAAATGAAAACCAAGAGAAAGAGGCAGAAAAA-3'
Protein context (NP_000029.2, residues 1525-1545): MPPVQENDNG[Asn1535Lys]ETESEQPKES